The following is an entry in ClinVar:

NM_177438.3(DICER1):c.308-5A>G

Gene: DICER1 (dicer 1, ribonuclease III; minus strand). Cytogenetic location: 14q32.13.
Variant type: single nucleotide variant.
Coding change: c.308-5A>G on transcript NM_177438.3 (MANE Select); 5 bases into the intron before coding-DNA position 308, A replaced by G.
Molecular consequence: intron variant.
Genome position (GRCh38, 1-based): chr14:95,131,644, T>C on the plus strand (A>G on the coding strand, the complement: DICER1 is on the minus strand). VCF-style: chr14-95131644-T-C. GRCh37 (hg19) VCF-style: chr14-95597981-T-C.
Other names: c.308-5A>G (NM_001291628.2, NM_030621.4, NM_001395677.1 and 14 more transcripts); c.33+871A>G (NM_001395690.1, NM_001395687.1, NM_001395689.1 and 3 more transcripts); c.34-13A>G (NM_001395686.1); c.-151-5A>G (NM_001395691.1); c.-1261-5A>G (NM_001395697.1).
Identifiers: ClinVar variation 3661096 (VCV003661096.2).

ClinVar aggregate classification (germline): Uncertain significance (1 of 4 stars; one submission).

Conditions:
DICER1-related tumor predisposition. Also called: DICER1-related pleuropulmonary blastoma cancer predisposition syndrome; DICER1 syndrome. Identifiers: Orphanet 284343, MedGen C3839822, MONDO:0100216.

Submission:

Labcorp Genetics (formerly Invitae), Labcorp
Classification: Uncertain significance for DICER1-related tumor predisposition. Last evaluated: 2024-09-16. Review status: criteria provided, single submitter. Criteria: Invitae Variant Classification Sherloc (09022015). Collection method: clinical testing. Allele origin: germline.
Comment: This sequence change falls in intron 3 of the DICER1 gene. It does not directly change the encoded amino acid sequence of the DICER1 protein. This variant is not present in population databases (gnomAD no frequency). This variant has not been reported in the literature in individuals affected with DICER1-related conditions. Algorithms developed to predict the effect of sequence changes on RNA splicing suggest that this variant may disrupt the consensus splice site. In summary, the available evidence is currently insufficient to determine the role of this variant in disease. Therefore, it has been classified as a Variant of Uncertain Significance.